The following is an entry in ClinVar:

ClinVar aggregate classification (germline): Likely benign. Review status: criteria provided, single submitter (1 of 4 stars). 2 submissions from 2 submitters: Likely benign (1). 1 of the submissions does not count toward it. Last evaluated 2024-11-18.

Conditions:
PCNT-related disorder. Also called: PCNT-related condition.

Allele frequency attached by ClinVar (database versions not stated): gnomAD exomes 0.00002; ExAC 0.00003; 1000 Genomes Project 30x 0.00016; 1000 Genomes Project 0.00020.
gnomAD v4.1: 46 of 1,613,868 alleles (0.0029%); highest among the groups gnomAD compares: Non-Finnish European, 0.0037%; no homozygotes.

Submissions (2):

Labcorp Genetics (formerly Invitae), Labcorp
Classification: Likely benign. Last evaluated: 2024-11-18. Review status: criteria provided, single submitter. Criteria: Invitae Variant Classification Sherloc (09022015). Collection method: clinical testing. Allele origin: germline.

PreventionGenetics, part of Exact Sciences
Classification: Likely benign for PCNT-related condition. Last evaluated: 2024-09-25. Review status: no assertion criteria provided. Collection method: clinical testing. Allele origin: germline. Not counted in ClinVar's aggregate classification.
Comment: This variant is classified as likely benign based on ACMG/AMP sequence variant interpretation guidelines (Richards et al. 2015 PMID: 25741868, with internal and published modifications).

NM_006031.6(PCNT):c.9393+9G>A

Gene: PCNT (pericentrin; plus strand). Cytogenetic location: 21q22.3.
Variant type: single nucleotide variant.
Coding change: c.9393+9G>A on transcript NM_006031.6 (MANE Select); 9 bases into the intron after coding-DNA position 9393, G replaced by A.
Molecular consequence: intron variant.
Genome position (GRCh38, 1-based): chr21:46,440,211, G>A. VCF-style: chr21-46440211-G-A. GRCh37 (hg19) VCF-style: chr21-47860124-G-A.
Other names: c.8802+9G>A (NM_001315529.2); c.9393+9G>A (NM_006031.5).
Identifiers: ClinVar variation 1654700 (VCV001654700.9), dbSNP rs562812369, ClinGen allele CA10081310.